The following is an entry in ClinVar:

NM_001277115.2(DNAH11):c.12934-2del

Gene: DNAH11 (dynein axonemal heavy chain 11; plus strand). Cytogenetic location: 7p15.3.
Variant type: Deletion.
Coding change: c.12934-2del on transcript NM_001277115.2 (MANE Select); the canonical splice acceptor site of the intron before coding-DNA position 12934, one base deleted (A; older notation c.12934-2delA).
Molecular consequence: splice acceptor variant.
Genome position (GRCh38, 1-based): chr7:21,894,882, A deleted; the last of 2 consecutive A bases (chr7:21,894,881-21,894,882); deleting either gives the same sequence. VCF-style (leftmost placement, unchanged base first): chr7-21894880-CA-C. GRCh37 (hg19) VCF-style: chr7-21934498-CA-C.
Other names: c.12934-2del (NM_001277115.1).
Identifiers: ClinVar variation 1495028 (VCV001495028.4), dbSNP rs1784452809, ClinGen allele CA1099244503.

ClinVar aggregate classification (germline): Uncertain significance. Review status: criteria provided, multiple submitters, no conflicts (2 of 4 stars). 2 submissions from 2 submitters: Uncertain significance (2). Last evaluated 2023-12-18.

Conditions:
Primary ciliary dyskinesia. Also called: Ciliary dyskinesia. Identifiers: Orphanet 244, MedGen C0008780, MONDO:0016575, HP:0012265.

Submissions (2):

Molecular Genetics McLendon Clinical Laboratories, University of North Carolina at Chapel Hill
Classification: Uncertain significance for Primary ciliary dyskinesia. Last evaluated: 2023-12-18. Review status: criteria provided, single submitter. Criteria: ACMG Guidelines, 2015. Collection method: clinical testing. Allele origin: germline.

Labcorp Genetics (formerly Invitae), Labcorp
Classification: Uncertain significance for Primary ciliary dyskinesia. Last evaluated: 2022-09-07. Review status: criteria provided, single submitter. Criteria: Invitae Variant Classification Sherloc (09022015). Collection method: clinical testing. Allele origin: germline.
Comment: This sequence change falls in intron 78 of the DNAH11 gene. It does not directly change the encoded amino acid sequence of the DNAH11 protein. It affects a nucleotide within the consensus splice site. This variant is not present in population databases (gnomAD no frequency). This variant has not been reported in the literature in individuals affected with DNAH11-related conditions. ClinVar contains an entry for this variant (Variation ID: 1495028). Variants that disrupt the consensus splice site are a relatively common cause of aberrant splicing (PMID: 17576681, 9536098). Algorithms developed to predict the effect of sequence changes on RNA splicing suggest that this variant may create or strengthen a splice site. In summary, the available evidence is currently insufficient to determine the role of this variant in disease. Therefore, it has been classified as a Variant of Uncertain Significance.

Literature cited by the submitters: PubMed 17576681 (cited by Labcorp Genetics (formerly Invitae), Labcorp); PubMed 9536098 (cited by Labcorp Genetics (formerly Invitae), Labcorp).